The following is an entry in ClinVar:

ClinVar aggregate classification (germline): Uncertain significance (1 of 4 stars; one submission).

Conditions:
Hypertrophic cardiomyopathy 14. Identifiers: MedGen C2750467, MONDO:0013197, OMIM 613251.
Dilated cardiomyopathy 1EE (CMD1EE). Identifiers: Orphanet 154, MedGen C2750466, MONDO:0013198, OMIM 613252.
Atrial septal defect 3 (ASD3). Identifiers: Orphanet 1478, MedGen C3279790, MONDO:0013567, OMIM 614089.
Sick sinus syndrome 3, susceptibility to (SSS3). Identifiers: Orphanet 166282, MedGen C3279791, MONDO:0013568, OMIM 614090.

Submission:

Juno Genomics, Hangzhou Juno Genomics, Inc
Classification: Uncertain significance for Atrial septal defect 3; Dilated cardiomyopathy 1EE; Hypertrophic cardiomyopathy 14; Sick sinus syndrome 3, susceptibility to. Review status: criteria provided, single submitter. Criteria: ACMG Guidelines, 2015. Collection method: clinical testing. Allele origin: germline. Affected: yes.
Comment: Absent from controls (or at extremely low frequency if recessive) in Genome Aggregation Database, Exome Sequencing Project, 1000 Genomes Project, or Exome Aggregation Consortium.;Multiple lines of computational evidence support a deleterious effect on the gene or gene product (conservation, evolutionary, splicing impact, etc).

NM_002471.4(MYH6):c.1673T>G (p.Leu558Arg)

Gene: MYH6 (myosin heavy chain 6; minus strand). Cytogenetic location: 14q11.2.
Variant type: single nucleotide variant.
Coding change: c.1673T>G on transcript NM_002471.4 (MANE Select); coding-DNA position 1673, T replaced by G.
Protein change: p.Leu558Arg; replaces leucine 558 with arginine.
Molecular consequence: missense variant.
Genome position (GRCh38, 1-based): chr14:23,398,946, A>C on the plus strand (T>G on the coding strand, the complement: MYH6 is on the minus strand). VCF-style: chr14-23398946-A-C. GRCh37 (hg19) VCF-style: chr14-23868155-A-C.
Other names: short protein forms L558R.
Identifiers: ClinVar variation 3382987 (VCV003382987.2).
Genomic context (GRCh38, chr14:23,398,946, plus strand): 5'-AAGTGGGCTTCCTGCTTCCCCTTGATGTTGCGTGGCTTCTGGAAATTGTTGGACTTGCCC[A>C]GGTGGTTGTCGTACAGCTTGGCCTTGAAGGTCATGTCAGTGGCCTTGGGGAACATGCACT-3'
Protein context (NP_002462.2, residues 548-568): TFKAKLYDNH[Leu558Arg]GKSNNFQKPR